The following is an entry in ClinVar:

NM_014363.6(SACS):c.9671G>C (p.Arg3224Pro)

Gene: SACS (sacsin molecular chaperone; minus strand). Cytogenetic location: 13q12.12.
Variant type: single nucleotide variant.
Coding change: c.9671G>C on transcript NM_014363.6 (MANE Select); coding-DNA position 9671, G replaced by C.
Protein change: p.Arg3224Pro; replaces arginine 3224 with proline.
Molecular consequence: missense variant.
Genome position (GRCh38, 1-based): chr13:23,334,205, C>G on the plus strand (G>C on the coding strand, the complement: SACS is on the minus strand). VCF-style: chr13-23334205-C-G. GRCh37 (hg19) VCF-style: chr13-23908344-C-G.
Other names: c.9230G>C, p.Arg3077Pro (NM_001278055.2); short protein forms R3224P, R3077P.
Identifiers: ClinVar variation 1389697 (VCV001389697.6), dbSNP rs763546908, ClinGen allele CA6910583.

ClinVar aggregate classification (germline): Uncertain significance (1 of 4 stars; one submission).

Conditions:
Spastic paraplegia. Identifiers: MedGen C0037772, HP:0001258.

Submission:

Labcorp Genetics (formerly Invitae), Labcorp
Classification: Uncertain significance for Spastic paraplegia. Last evaluated: 2023-12-11. Review status: criteria provided, single submitter. Criteria: Invitae Variant Classification Sherloc (09022015). Collection method: clinical testing. Allele origin: germline.
Comment: This sequence change replaces arginine, which is basic and polar, with proline, which is neutral and non-polar, at codon 3224 of the SACS protein (p.Arg3224Pro). This variant is not present in population databases (gnomAD no frequency). This variant has not been reported in the literature in individuals affected with SACS-related conditions. ClinVar contains an entry for this variant (Variation ID: 1389697). Advanced modeling of protein sequence and biophysical properties (such as structural, functional, and spatial information, amino acid conservation, physicochemical variation, residue mobility, and thermodynamic stability) performed at Invitae indicates that this missense variant is not expected to disrupt SACS protein function with a negative predictive value of 95%. Algorithms developed to predict the effect of sequence changes on RNA splicing suggest that this variant may create or strengthen a splice site. In summary, the available evidence is currently insufficient to determine the role of this variant in disease. Therefore, it has been classified as a Variant of Uncertain Significance.